The following is an entry in ClinVar:

ClinVar aggregate classification (germline): Uncertain significance. Review status: criteria provided, multiple submitters, no conflicts (2 of 4 stars). 4 submissions from 4 submitters: Uncertain significance (4). Last evaluated 2025-01-27.

Conditions:
Autosomal recessive spinocerebellar ataxia 14. Also called: CEREBELLAR ATAXIA, AUTOSOMAL RECESSIVE, SPECTRIN-ASSOCIATED, 1. Identifiers: Orphanet 352403, MedGen C4706415, MONDO:0014159, OMIM 615386.
Spinocerebellar ataxia type 5 (SCA5). Identifiers: Orphanet 98766, MedGen C0752123, MONDO:0010848, OMIM 600224.
Inborn genetic diseases. Identifiers: MedGen C0950123, MeSH D030342.

Allele frequency attached by ClinVar (database versions not stated): ExAC 0.00001; TOPMed 0.00001; gnomAD exomes 0.00004; ESP Exome Variant Server 0.00008.

Submissions (4):

Ambry Genetics
Classification: Uncertain significance for Inborn genetic diseases. Last evaluated: 2025-01-27. Review status: criteria provided, single submitter. Criteria: Ambry Variant Classification Scheme 2023. Collection method: clinical testing. Allele origin: germline.

Athena Diagnostics
Classification: Uncertain significance. Last evaluated: 2024-04-15. Review status: criteria provided, single submitter. Criteria: Athena Diagnostics Criteria. Collection method: clinical testing. Allele origin: unknown.
Comment: Available data are insufficient to determine the clinical significance of the variant at this time. The frequency of this variant in the general population is uninformative in assessment of its pathogenicity. Computational tools predict that this variant is not damaging.

CeGaT Center for Human Genetics Tuebingen
Classification: Uncertain significance. Last evaluated: 2022-12-01. Review status: criteria provided, single submitter. Criteria: CeGaT Center For Human Genetics Tuebingen Variant Classification Criteria Version 2. Collection method: clinical testing. Allele origin: germline. Affected: yes. Observed: 1 variant allele.
Comment: SPTBN2: PM2

Department of Pathology and Laboratory Medicine, Sinai Health System
Classification: Uncertain significance for Spinocerebellar ataxia type 5; Autosomal recessive spinocerebellar ataxia 14. Last evaluated: 2021-11-10. Review status: criteria provided, single submitter. Criteria: ACMG Guidelines, 2015. Collection method: research. Allele origin: germline.

NM_006946.4(SPTBN2):c.5993C>T (p.Thr1998Ile)

Gene: SPTBN2 (spectrin beta, non-erythrocytic 2; minus strand). Cytogenetic location: 11q13.2.
Variant type: single nucleotide variant.
Coding change: c.5993C>T on transcript NM_006946.4 (MANE Select); coding-DNA position 5993, C replaced by T.
Protein change: p.Thr1998Ile; replaces threonine 1998 with isoleucine.
Molecular consequence: missense variant.
Genome position (GRCh38, 1-based): chr11:66,689,137, G>A on the plus strand (C>T on the coding strand, the complement: SPTBN2 is on the minus strand). VCF-style: chr11-66689137-G-A. GRCh37 (hg19) VCF-style: chr11-66456608-G-A.
Other names: c.5993C>T (NM_006946.2); c.6014C>T, p.Thr2005Ile (NM_001411025.1); short protein forms T1998I, T2005I.
Identifiers: ClinVar variation 1879206 (VCV001879206.31), dbSNP rs371820273, ClinGen allele CA6128074.